The following is an entry in ClinVar:

ClinVar aggregate classification (germline): Uncertain significance (1 of 4 stars; one submission).

Allele frequency attached by ClinVar (database versions not stated): gnomAD exomes below 0.00001.
gnomAD v4.1: 1 of 1,614,114 alleles (0.000062%); highest among the groups gnomAD compares: Non-Finnish European, 0.000085%; no homozygotes.

Submission:

GeneDx
Classification: Uncertain significance. Last evaluated: 2023-03-07. Review status: criteria provided, single submitter. Criteria: GeneDx Variant Classification Process June 2021. Collection method: clinical testing. Allele origin: germline. Affected: yes.
Comment: Not observed at significant frequency in large population cohorts (gnomAD); In silico analysis supports that this missense variant has a deleterious effect on protein structure/function; Has not been previously published as pathogenic or benign to our knowledge; In silico analysis is inconclusive as to whether the variant alters gene splicing. In the absence of RNA/functional studies, the actual effect of this sequence change is unknown.

NM_004519.4(KCNQ3):c.1291C>T (p.Arg431Cys)

Gene: KCNQ3 (potassium voltage-gated channel subfamily Q member 3; minus strand). Cytogenetic location: 8q24.22.
Variant type: single nucleotide variant.
Coding change: c.1291C>T on transcript NM_004519.4 (MANE Select); coding-DNA position 1291, C replaced by T.
Protein change: p.Arg431Cys; replaces arginine 431 with cysteine.
Molecular consequence: missense variant.
Genome position (GRCh38, 1-based): chr8:132,141,303, G>A on the plus strand (C>T on the coding strand, the complement: KCNQ3 is on the minus strand). VCF-style: chr8-132141303-G-A. GRCh37 (hg19) VCF-style: chr8-133153550-G-A.
Other names: c.931C>T, p.Arg311Cys (NM_001204824.2); short protein forms R311C, R431C.
Identifiers: ClinVar variation 2579606 (VCV002579606.1), dbSNP rs2536882607, ClinGen allele CA372220404.